The following is an entry in ClinVar:

NM_001267550.2(TTN):c.6248G>T (p.Arg2083Ile)

Gene: TTN (titin; minus strand). Cytogenetic location: 2q31.2.
Variant type: single nucleotide variant.
Coding change: c.6248G>T on transcript NM_001267550.2 (MANE Select); coding-DNA position 6248, G replaced by T.
Protein change: p.Arg2083Ile; replaces arginine 2083 with isoleucine.
Molecular consequence: missense variant.
Genome position (GRCh38, 1-based): chr2:178,775,616, C>A on the plus strand (G>T on the coding strand, the complement: TTN is on the minus strand). VCF-style: chr2-178775616-C-A. GRCh37 (hg19) VCF-style: chr2-179640343-C-A.
Other names: p.Arg2083Ile; c.6248G>T, p.Arg2083Ile (NM_001256850.1, NM_133378.4, NM_133379.5); c.6110G>T, p.Arg2037Ile (NM_003319.4, NM_133432.3, NM_133437.4); short protein forms R2037I, R2083I.
Identifiers: ClinVar variation 1751686 (VCV001751686.3), dbSNP rs781676050, ClinGen allele CA2005081.
Genomic context (GRCh38, chr2:178,775,616, plus strand): 5'-CCCACGACTCTGACCCGGAAGTGTGCATCAGATCCTTGGCCCACTGTTTGGCTCTGGATT[C>A]TTTCGAAGATTTTTGGAGCCTCCATACTAGGACTTAGTTCAATCTTGTCAGGTTTAAAAG-3'
Protein context (NP_001254479.2, residues 2073-2093): PSMEAPKIFE[Arg2083Ile]IQSQTVGQGS

ClinVar aggregate classification (germline): Uncertain significance. Review status: criteria provided, multiple submitters, no conflicts (2 of 4 stars). 2 submissions from 2 submitters: Uncertain significance (2). Last evaluated 2024-05-07.

Conditions:
Cardiovascular phenotype. Identifiers: MedGen CN230736.

Allele frequency attached by ClinVar (database versions not stated): TOPMed below 0.00001; ExAC 0.00001; gnomAD exomes 0.00001.
gnomAD v4.1: 6 of 1,614,142 alleles (0.00037%); highest among the groups gnomAD compares: Non-Finnish European, 0.00051%; no homozygotes.

Submissions (2):

Mayo Clinic Laboratories, Mayo Clinic
Classification: Uncertain significance. Last evaluated: 2024-05-07. Review status: criteria provided, single submitter. Criteria: ACMG Guidelines, 2015. Collection method: clinical testing. Allele origin: germline. Observed: 1 variant allele.
Comment: PM2_moderate

Ambry Genetics
Classification: Uncertain significance for Cardiovascular phenotype. Last evaluated: 2020-09-21. Review status: criteria provided, single submitter. Criteria: Ambry Variant Classification Scheme 2023. Collection method: clinical testing. Allele origin: germline.
Comment: The p.R2037I variant (also known as c.6110G>T), located in coding exon 26 of the TTN gene, results from a G to T substitution at nucleotide position 6110. The arginine at codon 2037 is replaced by isoleucine, an amino acid with similar properties. This variant (referred to as p.R2083I) has been detected in a restrictive cardiomyopathy cohort; however, details were limited (Tarnovskaya S et al. Amino Acids, 2017 Nov;49:1815-1829). This amino acid position is well conserved in available vertebrate species. In addition, this alteration is predicted to be tolerated by in silico analysis. Since supporting evidence is limited at this time, the clinical significance of this alteration remains unclear.

Literature cited by the submitters: PubMed 27662471 (cited by Mayo Clinic Laboratories, Mayo Clinic); PubMed 28831623 (cited by Mayo Clinic Laboratories, Mayo Clinic and Ambry Genetics); PubMed 38438525 (cited by Mayo Clinic Laboratories, Mayo Clinic).